The following is an entry in ClinVar:

ClinVar aggregate classification (germline): Uncertain significance. Review status: criteria provided, multiple submitters, no conflicts (2 of 4 stars). 2 submissions from 2 submitters: Uncertain significance (2). Last evaluated 2025-07-03.

Conditions:
Cardiovascular phenotype. Identifiers: MedGen CN230736.

Allele frequency attached by ClinVar (database versions not stated): ExAC 0.00002; gnomAD exomes 0.00001; gnomAD 0.00002; TOPMed 0.00005.
gnomAD v4.1: 7 of 1,613,594 alleles (0.00043%); highest among the groups gnomAD compares: African/African-American, 0.008%; no homozygotes.

Submissions (2):

Mayo Clinic Laboratories, Mayo Clinic
Classification: Uncertain significance. Last evaluated: 2025-07-03. Review status: criteria provided, single submitter. Criteria: ACMG Guidelines, 2015. Collection method: clinical testing. Allele origin: germline. Observed: 1 variant allele.
Comment: PM2_supporting

Ambry Genetics
Classification: Uncertain significance for Cardiovascular phenotype. Last evaluated: 2020-05-28. Review status: criteria provided, single submitter. Criteria: Ambry Variant Classification Scheme 2023. Collection method: clinical testing. Allele origin: germline.
Comment: The p.V22894E variant (also known as c.68681T>A), located in coding exon 172 of the TTN gene, results from a T to A substitution at nucleotide position 68681. The valine at codon 22894 is replaced by glutamic acid, an amino acid with dissimilar properties. This amino acid position is not well conserved in available vertebrate species. In addition, this alteration is predicted to be tolerated by in silico analysis. Since supporting evidence is limited at this time, the clinical significance of this alteration remains unclear.

NM_001267550.2(TTN):c.95876T>A (p.Val31959Glu)

Genes: TTN-AS1 (TTN antisense RNA 1; plus strand), TTN (titin; minus strand). Cytogenetic location: 2q31.2.
Variant type: single nucleotide variant.
Coding change: c.95876T>A on transcript NM_001267550.2 (MANE Select); coding-DNA position 95876, T replaced by A.
Protein change: p.Val31959Glu; replaces valine 31959 with glutamic acid.
Molecular consequence: missense variant.
Genome position (GRCh38, 1-based): chr2:178,544,353, A>T on the plus strand (T>A on the coding strand, the complement: TTN is on the minus strand). VCF-style: chr2-178544353-A-T. GRCh37 (hg19) VCF-style: chr2-179409080-A-T.
Other names: p.Val30318Glu; c.68681T>A, p.Val22894Glu (NM_003319.4); c.88172T>A, p.Val29391Glu (NM_133378.4); c.69056T>A, p.Val23019Glu (NM_133432.3); c.69257T>A, p.Val23086Glu (NM_133437.4); c.90953T>A, p.Val30318Glu (NM_001256850.1); short protein forms V23086E, V30318E, V22894E, V23019E, V29391E, V31959E.
Identifiers: ClinVar variation 1755863 (VCV001755863.3), dbSNP rs761732372, ClinGen allele CA1986861.